The following is an entry in ClinVar:

NM_004646.4(NPHS1):c.2347G>T (p.Glu783Ter)

Gene: NPHS1 (NPHS1 adhesion molecule, nephrin; minus strand). Cytogenetic location: 19q13.12.
Variant type: single nucleotide variant.
Coding change: c.2347G>T on transcript NM_004646.4 (MANE Select); coding-DNA position 2347, G replaced by T.
Protein change: p.Glu783Ter; replaces glutamic acid 783 with a stop codon.
Molecular consequence: nonsense.
Genome position (GRCh38, 1-based): chr19:35,842,538, C>A on the plus strand (G>T on the coding strand, the complement: NPHS1 is on the minus strand). VCF-style: chr19-35842538-C-A. GRCh37 (hg19) VCF-style: chr19-36333440-C-A.
Other names: short protein forms E783*.
Identifiers: ClinVar variation 3583684 (VCV003583684.5).

ClinVar aggregate classification (germline): Pathogenic/Likely pathogenic. Review status: criteria provided, multiple submitters, no conflicts (2 of 4 stars). 3 submissions from 3 submitters: Pathogenic (1); Likely pathogenic (2). Last evaluated 2025-12-15.

Conditions:
Finnish congenital nephrotic syndrome (NPHS1). Also called: NEPHROTIC SYNDROME, TYPE 1. Identifiers: Orphanet 839, MedGen C0403399, MONDO:0009732, OMIM 256300.

Submissions (3):

Natera, Inc.
Classification: Likely pathogenic for Finnish congenital nephrotic syndrome. Last evaluated: 2025-12-15. Review status: criteria provided, single submitter. Criteria: Natera Variant Classification Schema (03/2026). Collection method: clinical testing. Allele origin: germline.
Comment: The c.2347G>T variant in NPHS1 is a nonsense variant predicted to introduce a stop codon at amino acid 783. This variant is expected to result in nonsense mediated decay, truncation, or a dysfunctional protein product. This variant is rare in the general population with a frequency below the threshold expected for the associated phenotype(s). Given the available evidence, this variant is classified as Likely Pathogenic.

Fulgent Genetics
Classification: Likely pathogenic for Finnish congenital nephrotic syndrome. Last evaluated: 2024-02-12. Review status: criteria provided, single submitter. Criteria: ACMG Guidelines, 2015. Collection method: clinical testing. Allele origin: germline.

Labcorp Genetics (formerly Invitae), Labcorp
Classification: Pathogenic. Last evaluated: 2024-02-02. Review status: criteria provided, single submitter. Criteria: Invitae Variant Classification Sherloc (09022015). Collection method: clinical testing. Allele origin: germline.
Comment: This sequence change creates a premature translational stop signal (p.Glu783*) in the NPHS1 gene. It is expected to result in an absent or disrupted protein product. Loss-of-function variants in NPHS1 are known to be pathogenic (PMID: 11317351, 11854170, 12039988). This variant is not present in population databases (gnomAD no frequency). This variant has not been reported in the literature in individuals affected with NPHS1-related conditions. For these reasons, this variant has been classified as Pathogenic.

Literature cited by the submitters: PubMed 11317351 (cited by Labcorp Genetics (formerly Invitae), Labcorp); PubMed 11854170 (cited by Labcorp Genetics (formerly Invitae), Labcorp); PubMed 12039988 (cited by Labcorp Genetics (formerly Invitae), Labcorp).